The following is an entry in ClinVar:

NM_182961.4(SYNE1):c.888+2T>C

Gene: SYNE1 (spectrin repeat containing nuclear envelope protein 1; minus strand). Cytogenetic location: 6q25.2.
Variant type: single nucleotide variant.
Coding change: c.888+2T>C on transcript NM_182961.4 (MANE Select); the canonical splice donor site of the intron after coding-DNA position 888, T replaced by C.
Molecular consequence: splice donor variant.
Genome position (GRCh38, 1-based): chr6:152,502,631, A>G on the plus strand (T>C on the coding strand, the complement: SYNE1 is on the minus strand). VCF-style: chr6-152502631-A-G. GRCh37 (hg19) VCF-style: chr6-152823766-A-G.
Other names: c.909+2T>C (NM_033071.5).
Identifiers: ClinVar variation 1923174 (VCV001923174.5), dbSNP rs754518742, ClinGen allele CA366147847.
Genomic context (GRCh38, chr6:152,502,631, plus strand): 5'-TCAAAAAGCTGAGTCACTGTCATTGCATATACCAGTGATACTTGAAGAAAGCAAATACCT[A>G]CATCATCCTCTTGCCCATCAGTGCTTGCATTGTGGATGTCAGGATAATGTTTCAGAAACT-3'

ClinVar aggregate classification (germline): Likely pathogenic (1 of 4 stars; one submission).

Conditions:
Emery-Dreifuss muscular dystrophy 4, autosomal dominant (EDMD4). Also called: EMERY-DREIFUSS MUSCULAR DYSTROPHY 4 WITH VARIABLE FEATURES. Identifiers: Orphanet 261, MedGen C2751807, MONDO:0013071, OMIM 612998.
Autosomal recessive ataxia, Beauce type. Also called: SYNE1-Related Autosomal Recessive Cerebellar Ataxia; SYNE1 Deficiency; Spinocerebellar ataxia, autosomal recessive 8; ATAXIA, RECESSIVE, OF BEAUCE. Identifiers: Orphanet 88644, MedGen C1853116, MONDO:0012549, OMIM 610743.

gnomAD v4.1: 1 of 1,609,132 alleles (0.000062%); highest among the groups gnomAD compares: Non-Finnish European, 0.000085%; no homozygotes.

Submission:

Labcorp Genetics (formerly Invitae), Labcorp
Classification: Likely pathogenic for Emery-Dreifuss muscular dystrophy 4, autosomal dominant; Autosomal recessive ataxia, Beauce type. Last evaluated: 2022-08-04. Review status: criteria provided, single submitter. Criteria: Invitae Variant Classification Sherloc (09022015). Collection method: clinical testing. Allele origin: germline.
Comment: This sequence change affects a donor splice site in intron 10 of the SYNE1 gene. It is expected to disrupt RNA splicing. Variants that disrupt the donor or acceptor splice site typically lead to a loss of protein function (PMID: 16199547), and loss-of-function variants in SYNE1 are known to be pathogenic (PMID: 19542096, 24319099, 27086870). This variant is not present in population databases (gnomAD no frequency). This variant has not been reported in the literature in individuals affected with SYNE1-related conditions. Algorithms developed to predict the effect of sequence changes on RNA splicing suggest that this variant may disrupt the consensus splice site. In summary, the currently available evidence indicates that the variant is pathogenic, but additional data are needed to prove that conclusively. Therefore, this variant has been classified as Likely Pathogenic.

Literature cited by the submitters: PubMed 16199547; PubMed 19542096; PubMed 24319099; PubMed 27086870.